The following is an entry in ClinVar:

ClinVar aggregate classification (germline): Uncertain significance (1 of 4 stars; one submission).

Submission:

Labcorp Genetics (formerly Invitae), Labcorp
Classification: Uncertain significance. Last evaluated: 2024-10-28. Review status: criteria provided, single submitter. Criteria: Invitae Variant Classification Sherloc (09022015). Collection method: clinical testing. Allele origin: germline.
Comment: This sequence change replaces alanine, which is neutral and non-polar, with valine, which is neutral and non-polar, at codon 88 of the TCIRG1 protein (p.Ala88Val). This variant is not present in population databases (gnomAD no frequency). This variant has not been reported in the literature in individuals affected with TCIRG1-related conditions. ClinVar contains an entry for this variant (Variation ID: 2012459). Invitae Evidence Modeling of protein sequence and biophysical properties (such as structural, functional, and spatial information, amino acid conservation, physicochemical variation, residue mobility, and thermodynamic stability) indicates that this missense variant is not expected to disrupt TCIRG1 protein function with a negative predictive value of 80%. In summary, the available evidence is currently insufficient to determine the role of this variant in disease. Therefore, it has been classified as a Variant of Uncertain Significance.

NM_006019.4(TCIRG1):c.263C>T (p.Ala88Val)

Gene: TCIRG1 (T cell immune regulator 1, ATPase H+ transporting V0 subunit a3; plus strand). Cytogenetic location: 11q13.2.
Variant type: single nucleotide variant.
Coding change: c.263C>T on transcript NM_006019.4 (MANE Select); coding-DNA position 263, C replaced by T.
Protein change: p.Ala88Val; replaces alanine 88 with valine.
Molecular consequence: missense variant. On other transcripts: 5 prime UTR variant (1).
Genome position (GRCh38, 1-based): chr11:68,042,709, C>T. VCF-style: chr11-68042709-C-T. GRCh37 (hg19) VCF-style: chr11-67810176-C-T.
Other names: c.-987C>T (NM_001351059.2); short protein forms A88V.
Identifiers: ClinVar variation 2012459 (VCV002012459.4), dbSNP rs2495614790, ClinGen allele CA381575533.